The following is an entry in ClinVar:

ClinVar aggregate classification (germline): Uncertain significance (1 of 4 stars; one submission).

Allele frequency attached by ClinVar (database versions not stated): gnomAD exomes 0.00002 and 0.00004; ExAC 0.00003; gnomAD 0.00008; TOPMed 0.00014; 1000 Genomes Project 30x 0.00016; 1000 Genomes Project 0.00020.
gnomAD v4.1: 38 of 1,550,752 alleles (0.0025%); highest among the groups gnomAD compares: Admixed American, 0.028%; no homozygotes.

Submission:

Labcorp Genetics (formerly Invitae), Labcorp
Classification: Uncertain significance. Last evaluated: 2022-06-09. Review status: criteria provided, single submitter. Criteria: Invitae Variant Classification Sherloc (09022015). Collection method: clinical testing. Allele origin: germline.
Comment: This sequence change replaces threonine, which is neutral and polar, with alanine, which is neutral and non-polar, at codon 1388 of the VPS13C protein (p.Thr1388Ala). In summary, the available evidence is currently insufficient to determine the role of this variant in disease. Therefore, it has been classified as a Variant of Uncertain Significance. Algorithms developed to predict the effect of sequence changes on RNA splicing suggest that this variant may create or strengthen a splice site. Algorithms developed to predict the effect of missense changes on protein structure and function output the following: SIFT: "Tolerated"; PolyPhen-2: "Benign"; Align-GVGD: "Class C0". The alanine amino acid residue is found in multiple mammalian species, which suggests that this missense change does not adversely affect protein function. This variant has not been reported in the literature in individuals affected with VPS13C-related conditions. This variant is present in population databases (rs200217775, gnomAD 0.02%).

NM_020821.3(VPS13C):c.4162A>G (p.Thr1388Ala)

Gene: VPS13C (vacuolar protein sorting 13 homolog C; minus strand). Cytogenetic location: 15q22.2.
Variant type: single nucleotide variant.
Coding change: c.4162A>G on transcript NM_020821.3 (MANE Select); coding-DNA position 4162, A replaced by G.
Protein change: p.Thr1388Ala; replaces threonine 1388 with alanine.
Molecular consequence: missense variant.
Genome position (GRCh38, 1-based): chr15:61,958,611, T>C on the plus strand (A>G on the coding strand, the complement: VPS13C is on the minus strand). VCF-style: chr15-61958611-T-C. GRCh37 (hg19) VCF-style: chr15-62250810-T-C.
Other names: c.4162A>G, p.Thr1388Ala (NM_001018088.3); c.4033A>G, p.Thr1345Ala (NM_017684.5, NM_018080.4); short protein forms T1388A, T1345A.
Identifiers: ClinVar variation 1502181 (VCV001502181.6), dbSNP rs200217775, ClinGen allele CA7596197.